The following is an entry in ClinVar:

ClinVar aggregate classification (germline): Likely pathogenic (1 of 4 stars; one submission).

Conditions:
SMARCA2-related disorder. Also called: SMARCA2-related condition.

Submission:

PreventionGenetics, part of Exact Sciences
Classification: Likely pathogenic for SMARCA2-related condition. Last evaluated: 2024-10-16. Review status: criteria provided, single submitter. Criteria: ACMG Guidelines, 2015. Collection method: clinical testing. Allele origin: germline.
Comment: The SMARCA2 c.1597A>T variant is predicted to result in the amino acid substitution p.Thr533Ser. To our knowledge, this variant has not been reported in the literature or in a large population database (gnomAD), indicating this variant is rare. This variant is interpreted as likely pathogenic.

NM_003070.5(SMARCA2):c.1597A>T (p.Thr533Ser)

Gene: SMARCA2 (SWI/SNF related BAF chromatin remodeling complex subunit ATPase 2; plus strand). Cytogenetic location: 9p24.3.
Variant type: single nucleotide variant.
Coding change: c.1597A>T on transcript NM_003070.5 (MANE Select); coding-DNA position 1597, A replaced by T.
Protein change: p.Thr533Ser; replaces threonine 533 with serine.
Molecular consequence: missense variant.
Genome position (GRCh38, 1-based): chr9:2,060,891, A>T. VCF-style: chr9-2060891-A-T. GRCh37 (hg19) VCF-style: chr9-2060891-A-T.
Other names: c.1597A>T, p.Thr533Ser (NM_001289396.2, NM_001289397.2, NM_139045.4); short protein forms T533S.
Identifiers: ClinVar variation 4998287 (VCV004998287.1).